The following is an entry in ClinVar:

ClinVar aggregate classification (germline): no classifications from unflagged records (0 of 4 stars; one submission).

Conditions:
Frontotemporal dementia (FTD1). Also called: WILHELMSEN-LYNCH DISEASE; FRONTOTEMPORAL DEMENTIA WITH PARKINSONISM; FRONTOTEMPORAL LOBE DEMENTIA; Frontotemporal lobe dementia (FLDEM); FRONTOTEMPORAL LOBAR DEGENERATION WITH TAU INCLUSIONS; FTLD WITH TAU INCLUSIONS. Identifiers: Orphanet 282, MedGen C0338451, MONDO:0017276, OMIM 600274, HP:0002145.

Allele frequency attached by ClinVar (database versions not stated): gnomAD exomes 0.00001.
gnomAD v4.1: 7 of 1,607,026 alleles (0.00044%); highest among the groups gnomAD compares: African/African-American, 0.0013%; no homozygotes.

Submission:

Guerreiro-Bras Laboratory, Van Andel Institute
Classification: Likely pathogenic for Frontotemporal dementia. Last evaluated: 2022-02-02. Review status: flagged submission. Collection method: research. Allele origin: unknown. Affected: yes.
ClinVar note: Notes: Flagging candidate with reason of insufficient supporting evidence. This gene has been classified as having a limited gene-disease relationship by a ClinGen Expert Panel.
ClinVar note: Reason: Other

NM_001761.3(CCNF):c.373G>A (p.Glu125Lys)

Gene: CCNF (cyclin F; plus strand). Cytogenetic location: 16p13.3.
Variant type: single nucleotide variant.
Coding change: c.373G>A on transcript NM_001761.3 (MANE Select); coding-DNA position 373, G replaced by A.
Protein change: p.Glu125Lys; replaces glutamic acid 125 with lysine.
Molecular consequence: missense variant. On other transcripts: 5 prime UTR variant (1).
Genome position (GRCh38, 1-based): chr16:2,437,155, G>A. VCF-style: chr16-2437155-G-A. GRCh37 (hg19) VCF-style: chr16-2487156-G-A.
Other names: c.-552G>A (NM_001323538.2); short protein forms E125K.
Identifiers: ClinVar variation 1344515 (VCV001344515.1), dbSNP rs376056912, ClinGen allele CA276808457.